The following is an entry in ClinVar:

ClinVar aggregate classification (germline): Uncertain significance (0 of 4 stars; one submission).

Conditions:
NBEA-related disorder. Also called: NBEA-related condition.

Allele frequency attached by ClinVar (database versions not stated): ExAC 0.00001; gnomAD 0.00001; gnomAD exomes 0.00001; TOPMed 0.00001.
gnomAD v4.1: 8 of 1,601,132 alleles (0.0005%); highest among the groups gnomAD compares: Admixed American, 0.0017%; no homozygotes.

Submission:

PreventionGenetics, part of Exact Sciences
Classification: Uncertain significance for NBEA-related condition. Last evaluated: 2023-10-26. Review status: no assertion criteria provided. Collection method: clinical testing. Allele origin: germline.
Comment: The NBEA c.7435C>T variant is predicted to result in the amino acid substitution p.Arg2479Trp. To our knowledge, this variant has not been reported in the literature or in a large population database, indicating this variant is rare. At this time, the clinical significance of this variant is uncertain due to the absence of conclusive functional and genetic evidence.

NM_001385012.1(NBEA):c.7435C>T (p.Arg2479Trp)

Gene: NBEA (neurobeachin; plus strand). Cytogenetic location: 13q13.3.
Variant type: single nucleotide variant.
Coding change: c.7435C>T on transcript NM_001385012.1 (MANE Select); coding-DNA position 7435, C replaced by T.
Protein change: p.Arg2479Trp; replaces arginine 2479 with tryptophan.
Molecular consequence: missense variant.
Genome position (GRCh38, 1-based): chr13:35,606,564, C>T. VCF-style: chr13-35606564-C-T. GRCh37 (hg19) VCF-style: chr13-36180701-C-T.
Other names: c.814C>T, p.Arg272Trp (NM_001204197.3); c.7426C>T, p.Arg2476Trp (NM_001379245.1); c.7435C>T, p.Arg2479Trp (NM_015678.5); short protein forms R2476W, R2479W, R272W.
Identifiers: ClinVar variation 3032301 (VCV003032301.2), dbSNP rs775831850, ClinGen allele CA6947758.